The following is an entry in ClinVar:

ClinVar aggregate classification (germline): Uncertain significance (1 of 4 stars; one submission).

Allele frequency attached by ClinVar (database versions not stated): gnomAD 0.00001; TOPMed 0.00002.

Submission:

Ambry Genetics
Classification: Uncertain significance. Last evaluated: 2023-01-16. Review status: criteria provided, single submitter. Criteria: Ambry Variant Classification Scheme 2023. Collection method: clinical testing. Allele origin: germline.
Comment: The p.T60S variant (also known as c.178A>T), located in coding exon 2 of the POLQ gene, results from an A to T substitution at nucleotide position 178. The threonine at codon 60 is replaced by serine, an amino acid with similar properties. This amino acid position is conserved. In addition, this alteration is predicted to be tolerated by in silico analysis. Since supporting evidence is limited at this time, the clinical significance of this alteration remains unclear.

NM_199420.4(POLQ):c.178A>T (p.Thr60Ser)

Gene: POLQ (DNA polymerase theta; minus strand). Cytogenetic location: 3q13.33.
Variant type: single nucleotide variant.
Coding change: c.178A>T on transcript NM_199420.4 (MANE Select); coding-DNA position 178, A replaced by T.
Protein change: p.Thr60Ser; replaces threonine 60 with serine.
Molecular consequence: missense variant.
Genome position (GRCh38, 1-based): chr3:121,544,892, T>A on the plus strand (A>T on the coding strand, the complement: POLQ is on the minus strand). VCF-style: chr3-121544892-T-A. GRCh37 (hg19) VCF-style: chr3-121263739-T-A.
Other names: short protein forms T60S.
Identifiers: ClinVar variation 2449403 (VCV002449403.2), dbSNP rs1299209406, ClinGen allele CA354095041.
Genomic context (GRCh38, chr3:121,544,892, plus strand): 5'-CTGCTTTAGGAAGTCCCCAGTTTGCCAATAGTAGCTTGTCTCTTTCGTAGTCAGGAACTG[T>A]AGGCTTGCATTCTCCTTTTAGGAAAAAGAAAAAATTAAAATTTAATTTACTTCTAATATA-3'
Protein context (NP_955452.3, residues 50-70): KAAAAGECKP[Thr60Ser]VPDYERDKLL